The following is an entry in ClinVar:

NM_001134407.3(GRIN2A):c.2326G>T (p.Asp776Tyr)

Gene: GRIN2A (glutamate ionotropic receptor NMDA type subunit 2A; minus strand). Cytogenetic location: 16p13.2.
Variant type: single nucleotide variant.
Coding change: c.2326G>T on transcript NM_001134407.3 (MANE Select); coding-DNA position 2326, G replaced by T.
Protein change: p.Asp776Tyr; replaces aspartic acid 776 with tyrosine.
Molecular consequence: missense variant.
Genome position (GRCh38, 1-based): chr16:9,798,307, C>A on the plus strand (G>T on the coding strand, the complement: GRIN2A is on the minus strand). VCF-style: chr16-9798307-C-A. GRCh37 (hg19) VCF-style: chr16-9892164-C-A.
Other names: c.2326G>T, p.Asp776Tyr (NM_000833.5, NM_001134408.2); c.2326G>T (NM_000833.3); short protein forms D776Y.
Identifiers: ClinVar variation 952584 (VCV000952584.12), dbSNP rs776791010, ClinGen allele CA394796998.

ClinVar aggregate classification (germline): Pathogenic/Likely pathogenic. Review status: criteria provided, multiple submitters, no conflicts (2 of 4 stars). 3 submissions from 3 submitters: Pathogenic (1); Likely pathogenic (2). Last evaluated 2026-01-21.

Conditions:
Landau-Kleffner syndrome (FESD). Also called: EPILEPSY, FOCAL, WITH SPEECH DISORDER AND WITH OR WITHOUT MENTAL RETARDATION; APHASIA, ACQUIRED, WITH EPILEPSY. Identifiers: Orphanet 1945, Orphanet 725, Orphanet 98818, MedGen C0282512, MONDO:0009509, OMIM 245570.

Submissions (3):

Labcorp Genetics (formerly Invitae), Labcorp
Classification: Pathogenic for Landau-Kleffner syndrome. Last evaluated: 2026-01-21. Review status: criteria provided, single submitter. Criteria: Invitae Variant Classification Sherloc (09022015). Collection method: clinical testing. Allele origin: germline.
Comment: This sequence change replaces aspartic acid, which is acidic and polar, with tyrosine, which is neutral and polar, at codon 776 of the GRIN2A protein (p.Asp776Tyr). This variant is not present in population databases (gnomAD no frequency). This missense change has been observed in individuals with clinical features of GRIN2A-related epilepsy (PMID: 24848745; internal data). It has also been observed to segregate with disease in related individuals. ClinVar contains an entry for this variant (Variation ID: 952584). Invitae Evidence Modeling of protein sequence and biophysical properties (such as structural, functional, and spatial information, amino acid conservation, physicochemical variation, residue mobility, and thermodynamic stability) indicates that this missense variant is expected to disrupt GRIN2A protein function with a positive predictive value of 95%. For these reasons, this variant has been classified as Pathogenic.

GeneDx
Classification: Likely pathogenic. Last evaluated: 2024-07-12. Review status: criteria provided, single submitter. Criteria: GeneDx Variant Classification Process June 2021. Collection method: clinical testing. Allele origin: germline. Affected: yes.
Comment: Identified in a patient with Rolandic epilepsy and segregates with disease in affected relatives in published literature (PMID: 24848745, Piazza2016[CaseReport], 28109652); Not observed at significant frequency in large population cohorts (gnomAD); In silico analysis supports that this missense variant has a deleterious effect on protein structure/function; This variant is associated with the following publications: (PMID: 27839871, 28109652, 24848745, Piazza2016[CaseReport])

Institute of Human Genetics, University of Leipzig Medical Center
Classification: Likely pathogenic for Landau-Kleffner syndrome. Last evaluated: 2019-01-01. Review status: criteria provided, single submitter. Criteria: ACMG Guidelines, 2015. Collection method: research. Allele origin: unknown. Affected: yes.

Literature cited by the submitters: PubMed 24848745 (cited by Labcorp Genetics (formerly Invitae), Labcorp); PubMed 30544257 (cited by Institute of Human Genetics, University of Leipzig Medical Center).